The following is an entry in ClinVar:

NM_001329943.3(KIAA0586):c.4450C>T (p.Arg1484Trp)

Gene: KIAA0586 (KIAA0586; plus strand). Cytogenetic location: 14q23.1.
Variant type: single nucleotide variant.
Coding change: c.4450C>T on transcript NM_001329943.3 (MANE Select); coding-DNA position 4450, C replaced by T.
Protein change: p.Arg1484Trp; replaces arginine 1484 with tryptophan.
Molecular consequence: missense variant. On other transcripts: intron variant (2).
Genome position (GRCh38, 1-based): chr14:58,540,091, C>T. VCF-style: chr14-58540091-C-T. GRCh37 (hg19) VCF-style: chr14-59006809-C-T.
Other names: c.4609C>T, p.Arg1537Trp (NM_001244189.2); c.4405C>T, p.Arg1469Trp (NM_001244190.2); c.4195C>T, p.Arg1399Trp (NM_001244191.2, NM_001364701.2); c.4318C>T, p.Arg1440Trp (NM_001244192.2, NM_001329947.2); c.4450C>T, p.Arg1484Trp (NM_001329944.2); c.4222C>T, p.Arg1408Trp (NM_014749.5); c.4430-7690C>T (NM_001329946.2); c.4175-7690C>T (NM_001329945.2); short protein forms R1399W, R1408W, R1440W, R1469W, R1484W, R1537W.
Identifiers: ClinVar variation 3748300 (VCV003748300.2).

ClinVar aggregate classification (germline): Uncertain significance (1 of 4 stars; one submission).

Conditions:
Joubert syndrome 23 (JBTS23). Identifiers: Orphanet 475, MedGen C4084822, MONDO:0014664, OMIM 616490.
Short-rib thoracic dysplasia 14 with polydactyly (SRTD14). Identifiers: Orphanet 397715, MedGen C4225286, MONDO:0014688, OMIM 616546.

gnomAD v4.1: 5 of 1,559,486 alleles (0.00032%); highest among the groups gnomAD compares: Non-Finnish European, 0.00044%; no homozygotes.

Submission:

Labcorp Genetics (formerly Invitae), Labcorp
Classification: Uncertain significance for Joubert syndrome 23; Short-rib thoracic dysplasia 14 with polydactyly. Last evaluated: 2024-03-12. Review status: criteria provided, single submitter. Criteria: Invitae Variant Classification Sherloc (09022015). Collection method: clinical testing. Allele origin: germline.
Comment: This sequence change replaces arginine, which is basic and polar, with tryptophan, which is neutral and slightly polar, at codon 1537 of the KIAA0586 protein (p.Arg1537Trp). The frequency data for this variant in the population databases is considered unreliable, as metrics indicate poor data quality at this position in the gnomAD database. This variant has not been reported in the literature in individuals affected with KIAA0586-related conditions. Algorithms developed to predict the effect of missense changes on protein structure and function output the following: SIFT: "Not Available"; PolyPhen-2: "Benign"; Align-GVGD: "Not Available". The tryptophan amino acid residue is found in multiple mammalian species, which suggests that this missense change does not adversely affect protein function. In summary, the available evidence is currently insufficient to determine the role of this variant in disease. Therefore, it has been classified as a Variant of Uncertain Significance.